The following is an entry in ClinVar:

ClinVar aggregate classification (germline): Pathogenic (1 of 4 stars; one submission).

Conditions:
Neurofibromatosis, type 1 (NF1). Also called: VON RECKLINGHAUSEN DISEASE; Peripheral type neurofibromatosis; NEUROFIBROMATOSIS, TYPE I, SOMATIC; Neurofibromatosis, type I. Identifiers: Orphanet 636, MedGen C0027831, MONDO:0018975, OMIM 162200. Disease mechanism: loss of function.

Submission:

Labcorp Genetics (formerly Invitae), Labcorp
Classification: Pathogenic for Neurofibromatosis, type 1. Last evaluated: 2025-10-27. Review status: criteria provided, single submitter. Criteria: Invitae Variant Classification Sherloc (09022015). Collection method: clinical testing. Allele origin: germline.
Comment: This sequence change creates a premature translational stop signal (p.Phe570Leufs*4) in the NF1 gene. It is expected to result in an absent or disrupted protein product. Loss-of-function variants in NF1 are known to be pathogenic (PMID: 10712197, 23913538). This variant is not present in population databases (gnomAD no frequency). This variant has not been reported in the literature in individuals affected with NF1-related conditions. For these reasons, this variant has been classified as Pathogenic.

Literature cited by the submitters: PubMed 10712197; PubMed 23913538.

NM_001042492.3(NF1):c.1707_1708del (p.Phe570fs)

Gene: NF1 (neurofibromin 1; plus strand). Cytogenetic location: 17q11.2.
Variant type: Deletion.
Coding change: c.1707_1708del on transcript NM_001042492.3 (MANE Select); coding-DNA positions 1707 to 1708, 2 bases deleted (AT; older notation c.1707_1708delAT).
Protein change: p.Phe570fs; shifts the reading frame from phenylalanine 570.
Molecular consequence: frameshift variant.
Genome position (GRCh38, 1-based): chr17:31,221,915-31,221,916, AT deleted. VCF-style (leftmost placement, unchanged base first): chr17-31221914-CAT-C. GRCh37 (hg19) VCF-style: chr17-29548932-CAT-C.
Other names: c.1707_1708del, p.Phe570fs (NM_000267.4, NM_001128147.3); short protein forms F570fs.
Identifiers: ClinVar variation 4729991 (VCV004729991.1).